The following is an entry in ClinVar:

NM_002430.3(MN1):c.2357C>T (p.Pro786Leu)

Gene: MN1 (MN1 proto-oncogene, transcriptional regulator; minus strand). Cytogenetic location: 22q12.1.
Variant type: single nucleotide variant.
Coding change: c.2357C>T on transcript NM_002430.3 (MANE Select); coding-DNA position 2357, C replaced by T.
Protein change: p.Pro786Leu; replaces proline 786 with leucine.
Molecular consequence: missense variant.
Genome position (GRCh38, 1-based): chr22:27,798,187, G>A on the plus strand (C>T on the coding strand, the complement: MN1 is on the minus strand). VCF-style: chr22-27798187-G-A. GRCh37 (hg19) VCF-style: chr22-28194175-G-A.
Other names: short protein forms P786L.
Identifiers: ClinVar variation 5018363 (VCV005018363.1).

ClinVar aggregate classification (germline): Uncertain significance (1 of 4 stars; one submission).

gnomAD v4.1: 1 of 1,555,118 alleles (0.000064%); highest among the groups gnomAD compares: Admixed American, 0.0019%; no homozygotes.

Submission:

GeneDx
Classification: Uncertain significance. Last evaluated: 2026-04-08. Review status: criteria provided, single submitter. Criteria: GeneDx Variant Classification Process June 2021. Collection method: clinical testing. Allele origin: germline.
Comment: Not observed at significant frequency in large population cohorts (gnomAD); In silico analysis supports that this missense variant has a deleterious effect on protein structure/function; Has not been previously published as pathogenic or benign to our knowledge